The following is an entry in ClinVar:

ClinVar aggregate classification (germline): Conflicting classifications of pathogenicity. Review status: criteria provided, conflicting classifications (1 of 4 stars). 3 submissions from 3 submitters: Uncertain significance (1); Likely benign (2). Last evaluated 2025-01-27.

Conditions:
Idiopathic generalized epilepsy. Also called: Generalised epilepsy; EIG. Identifiers: MedGen C0270850, MONDO:0005579, OMIM 600669.
Hyperaldosteronism, familial, type IV (HALD4). Also called: FH IV; ALDOSTERONISM, PRIMARY, AND HYPERTENSION. Identifiers: Orphanet 642671, MedGen C4310756, MONDO:0014875, OMIM 617027.

Allele frequency attached by ClinVar (database versions not stated): TOPMed 0.00002; gnomAD exomes 0.00004 and 0.00006; gnomAD 0.00005; ExAC 0.00006.
gnomAD v4.1: 75 of 1,608,404 alleles (0.0047%); highest among the groups gnomAD compares: Admixed American, 0.017%; 1 homozygote.

Submissions (3):

Labcorp Genetics (formerly Invitae), Labcorp
Classification: Likely benign for Idiopathic generalized epilepsy; Hyperaldosteronism, familial, type IV. Last evaluated: 2025-01-27. Review status: criteria provided, single submitter. Criteria: Invitae Variant Classification Sherloc (09022015). Collection method: clinical testing. Allele origin: germline.

Women's Health and Genetics/Laboratory Corporation of America, LabCorp
Classification: Uncertain significance. Last evaluated: 2024-09-24. Review status: criteria provided, single submitter. Criteria: LabCorp Variant Classification Summary - May 2015. Collection method: clinical testing. Allele origin: germline.
Comment: Variant summary: CACNA1H c.2255C>T (p.Pro752Leu) results in a non-conservative amino acid change in the encoded protein sequence. Four of five in-silico tools predict a benign effect of the variant on protein function. The variant allele was found at a frequency of 6.4e-05 in 234162 control chromosomes in the gnomAD database, including 1 homozygotes. This frequency is not significantly higher than estimated for a pathogenic variant in CACNA1H causing Idiopathic Generalized Epilepsy, allowing no conclusion about variant significance. To our knowledge, no occurrence of c.2255C>T in individuals affected with Idiopathic Generalized Epilepsy and no experimental evidence demonstrating its impact on protein function have been reported. ClinVar contains an entry for this variant (Variation ID: 529598). Based on the evidence outlined above, the variant was classified as VUS-possibly benign.

Blueprint Genetics
Classification: Likely benign. Last evaluated: 2024-05-07. Review status: criteria provided, single submitter. Criteria: ACMG Guidelines, 2015. Collection method: clinical testing. Allele origin: germline.

NM_021098.3(CACNA1H):c.2255C>T (p.Pro752Leu)

Gene: CACNA1H (calcium voltage-gated channel subunit alpha1 H; plus strand). Cytogenetic location: 16p13.3.
Variant type: single nucleotide variant.
Coding change: c.2255C>T on transcript NM_021098.3 (MANE Select); coding-DNA position 2255, C replaced by T.
Protein change: p.Pro752Leu; replaces proline 752 with leucine.
Molecular consequence: missense variant.
Genome position (GRCh38, 1-based): chr16:1,204,262, C>T. VCF-style: chr16-1204262-C-T. GRCh37 (hg19) VCF-style: chr16-1254262-C-T.
Other names: c.2255C>T, p.Pro752Leu (NM_001005407.2); short protein forms P752L.
Identifiers: ClinVar variation 529598 (VCV000529598.13), dbSNP rs761877111, ClinGen allele CA7800178.